The following is an entry in ClinVar:

NM_001127198.5(TMC6):c.2269A>G (p.Ile757Val)

Gene: TMC6 (transmembrane channel like 6; minus strand). Cytogenetic location: 17q25.3.
Variant type: single nucleotide variant.
Coding change: c.2269A>G on transcript NM_001127198.5 (MANE Select); coding-DNA position 2269, A replaced by G.
Protein change: p.Ile757Val; replaces isoleucine 757 with valine.
Molecular consequence: missense variant.
Genome position (GRCh38, 1-based): chr17:78,117,277, T>C on the plus strand (A>G on the coding strand, the complement: TMC6 is on the minus strand). VCF-style: chr17-78117277-T-C. GRCh37 (hg19) VCF-style: chr17-76113358-T-C.
Other names: c.2269A>G, p.Ile757Val (NM_001321185.1, NM_001374596.1, NM_001375353.1 and 2 more transcripts); c.2089A>G, p.Ile697Val (NM_001374593.1, NM_001374594.1); short protein forms I697V, I757V.
Identifiers: ClinVar variation 1020448 (VCV001020448.5), dbSNP rs1404902913, ClinGen allele CA401224257.
Genomic context (GRCh38, chr17:78,117,277, plus strand): 5'-TCAGGTGACCTGAGAGGGTGGGGGCTGAGAGCAGCCCAGGAGGGGCACTCACATTGCTGA[T>C]CTGCTCCTTGAGCAGGCAGATGACCTTGCGCTGGCCCCGCACCACCTGGATGTTGAGGTA-3'
Protein context (NP_001120670.1, residues 747-767): RKVICLLKEQ[Ile757Val]SNEGEDKIFL

ClinVar aggregate classification (germline): Uncertain significance (1 of 4 stars; one submission).

Conditions:
Epidermodysplasia verruciformis. Identifiers: Orphanet 302, MedGen C0014522, MONDO:0009176.

Submission:

Labcorp Genetics (formerly Invitae), Labcorp
Classification: Uncertain significance for Epidermodysplasia verruciformis. Last evaluated: 2020-01-12. Review status: criteria provided, single submitter. Criteria: Invitae Variant Classification Sherloc (09022015). Collection method: clinical testing. Allele origin: germline.
Comment: This variant is not present in population databases (ExAC no frequency). In summary, the available evidence is currently insufficient to determine the role of this variant in disease. Therefore, it has been classified as a Variant of Uncertain Significance. Algorithms developed to predict the effect of sequence changes on RNA splicing suggest that this variant may create or strengthen a splice site, but this prediction has not been confirmed by published transcriptional studies. Algorithms developed to predict the effect of missense changes on protein structure and function (SIFT, PolyPhen-2, Align-GVGD) all suggest that this variant is likely to be tolerated, but these predictions have not been confirmed by published functional studies and their clinical significance is uncertain. This variant has not been reported in the literature in individuals with TMC6-related conditions. This sequence change replaces isoleucine with valine at codon 757 of the TMC6 protein (p.Ile757Val). The isoleucine residue is moderately conserved and there is a small physicochemical difference between isoleucine and valine.